The following is an entry in ClinVar:

NM_000170.3(GLDC):c.2422A>C (p.Ser808Arg)

Gene: GLDC (glycine decarboxylase; minus strand). Cytogenetic location: 9p24.1.
Variant type: single nucleotide variant.
Coding change: c.2422A>C on transcript NM_000170.3 (MANE Select); coding-DNA position 2422, A replaced by C.
Protein change: p.Ser808Arg; replaces serine 808 with arginine.
Molecular consequence: missense variant.
Genome position (GRCh38, 1-based): chr9:6,553,403, T>G on the plus strand (A>C on the coding strand, the complement: GLDC is on the minus strand). VCF-style: chr9-6553403-T-G. GRCh37 (hg19) VCF-style: chr9-6553403-T-G.
Other names: short protein forms S808R.
Identifiers: ClinVar variation 5003299 (VCV005003299.1).

ClinVar aggregate classification (germline): Uncertain significance (1 of 4 stars; one submission).

Conditions:
Glycine encephalopathy 1 (GCE1). Identifiers: MedGen CN376801, MONDO:0958179, OMIM 605899.

gnomAD v4.1: 1 of 1,614,000 alleles (0.000062%); highest among the groups gnomAD compares: Non-Finnish European, 0.000085%; no homozygotes.

Submission:

Myriad Genetics, Inc.
Classification: Uncertain significance for Glycine encephalopathy 1. Last evaluated: 2026-03-11. Review status: criteria provided, single submitter. Criteria: Myriad Autosomal Dominant, Autosomal Recessive and X-Linked Classification Criteria (2023). Collection method: clinical testing. Allele origin: unknown.
Comment: NM_000170.2(GLDC):c.2422A>C(S808R) is a missense variant classified as a variant of uncertain significance in the context of glycine encephalopathy, GLDC-related. S808R has been observed in cases with relevant disease (PMID: 26179960). Relevant functional assessments of this variant are available in the literature (PMID: 26179960). S808R has not been observed in referenced population frequency databases. In summary, there is insufficient evidence to classify NM_000170.2(GLDC):c.2422A>C(S808R) as pathogenic or benign. Please note: this variant was assessed in the context of healthy population screening.

Literature cited by the submitters: PubMed 26179960.